The following is an entry in ClinVar:

NM_002541.4(OGDH):c.2849A>G (p.Asn950Ser)

Gene: OGDH (oxoglutarate dehydrogenase; plus strand). Cytogenetic location: 7p13.
Variant type: single nucleotide variant.
Coding change: c.2849A>G on transcript NM_002541.4 (MANE Select); coding-DNA position 2849, A replaced by G.
Protein change: p.Asn950Ser; replaces asparagine 950 with serine.
Molecular consequence: missense variant.
Genome position (GRCh38, 1-based): chr7:44,707,634, A>G. VCF-style: chr7-44707634-A-G. GRCh37 (hg19) VCF-style: chr7-44747233-A-G.
Other names: c.2837A>G, p.Asn946Ser (NM_001165036.2); c.2882A>G, p.Asn961Ser (NM_001363523.2); short protein forms N950S, N961S, N946S.
Identifiers: ClinVar variation 1484653 (VCV001484653.5), dbSNP rs769947062, ClinGen allele CA4244232.

ClinVar aggregate classification (germline): Uncertain significance (1 of 4 stars; one submission).

Conditions:
Oxoglutaricaciduria. Identifiers: Orphanet 31, MedGen C2752074, MONDO:0008759, OMIM 203740.

Allele frequency attached by ClinVar (database versions not stated): gnomAD 0.00005 and 0.00006; ExAC 0.00007; TOPMed 0.00008.
gnomAD v4.1: 122 of 1,614,032 alleles (0.0076%); highest among the groups gnomAD compares: Admixed American, 0.013%; no homozygotes.

Submission:

Labcorp Genetics (formerly Invitae), Labcorp
Classification: Uncertain significance for Oxoglutaricaciduria. Last evaluated: 2022-08-31. Review status: criteria provided, single submitter. Criteria: Invitae Variant Classification Sherloc (09022015). Collection method: clinical testing. Allele origin: germline.
Comment: ClinVar contains an entry for this variant (Variation ID: 1484653). In summary, the available evidence is currently insufficient to determine the role of this variant in disease. Therefore, it has been classified as a Variant of Uncertain Significance. Algorithms developed to predict the effect of missense changes on protein structure and function output the following: SIFT: "Tolerated"; PolyPhen-2: "Benign"; Align-GVGD: "Class C0". The serine amino acid residue is found in multiple mammalian species, which suggests that this missense change does not adversely affect protein function. This variant has not been reported in the literature in individuals affected with OGDH-related conditions. This variant is present in population databases (rs769947062, gnomAD 0.02%). This sequence change replaces asparagine, which is neutral and polar, with serine, which is neutral and polar, at codon 950 of the OGDH protein (p.Asn950Ser).